The following is an entry in ClinVar:

ClinVar aggregate classification (germline): Uncertain significance (1 of 4 stars; one submission).

Conditions:
Landau-Kleffner syndrome (FESD). Also called: EPILEPSY, FOCAL, WITH SPEECH DISORDER AND WITH OR WITHOUT MENTAL RETARDATION; APHASIA, ACQUIRED, WITH EPILEPSY. Identifiers: Orphanet 1945, Orphanet 725, Orphanet 98818, MedGen C0282512, MONDO:0009509, OMIM 245570.

Submission:

New York Genome Center
Classification: Uncertain significance for Landau-Kleffner syndrome. Last evaluated: 2022-01-04. Review status: criteria provided, single submitter. Criteria: NYGC Assertion Criteria 2020. Collection method: clinical testing. Allele origin: de novo. Observed: 1 heterozygote. Study: CSER-NYCKidSeq.
Comment: The c.3792G>A variant identified in GRIN2A has not previously been reported in the literature or public variant repositories (ClinVar and LOVD), and is absent from population databases (gnomAD v2.1.1 and v3.1.2, TOPMed Freeze 8) suggesting it is not a common benign variant in the populations represented in those databases. The c.3792G>A variant is located in exon 13 of this 13-exon gene and is not predicted to result in a change in the encoded amino acid at position 1264 (p.(Glu1264=)) of the 1465-amino acid long protein; however, in silico algorithms slightly predict gain of a possible new splice donor site at 20 base-pair downstream of the variant (Splice AI= 0.02)[PMIDs:30661751]. Based on available evidence this heterozygous de novo c.3792G>A variant identified in GRIN2A is classified as a Variant of Uncertain Significance.

NM_001134407.3(GRIN2A):c.3792G>A (p.Glu1264=)

Gene: GRIN2A (glutamate ionotropic receptor NMDA type subunit 2A; minus strand). Cytogenetic location: 16p13.2.
Variant type: single nucleotide variant.
Coding change: c.3792G>A on transcript NM_001134407.3 (MANE Select); coding-DNA position 3792, G replaced by A.
Protein change: p.Glu1264=; no amino-acid change (glutamic acid 1264 retained).
Molecular consequence: synonymous variant. On other transcripts: intron variant (1).
Genome position (GRCh38, 1-based): chr16:9,763,752, C>T on the plus strand (G>A on the coding strand, the complement: GRIN2A is on the minus strand). VCF-style: chr16-9763752-C-T. GRCh37 (hg19) VCF-style: chr16-9857609-C-T.
Other names: c.3792G>A, p.Glu1264= (NM_000833.5); c.3772+20G>A (NM_001134408.2).
Identifiers: ClinVar variation 1701697 (VCV001701697.1), dbSNP rs2141129533, ClinGen allele CA493693051.